The following is an entry in ClinVar:

ClinVar aggregate classification (germline): Pathogenic (1 of 4 stars; one submission).

Conditions:
Familial thoracic aortic aneurysm and aortic dissection (TAAD). Also called: Thoracic aortic aneurysms and dissections. Identifiers: Orphanet 91387, MedGen C4707243, MONDO:0019625.
Marfan syndrome (MFS). Also called: MARFAN SYNDROME, TYPE I; Marfan syndrome type 1; Marfan's syndrome; Marfan syndrome, classic; FBN1-Related Marfan Syndrome. Identifiers: Orphanet 284963, Orphanet 558, MedGen C0024796, MONDO:0007947, OMIM 154700.

Submission:

Labcorp Genetics (formerly Invitae), Labcorp
Classification: Pathogenic for Marfan syndrome; Familial thoracic aortic aneurysm and aortic dissection. Last evaluated: 2022-04-14. Review status: criteria provided, single submitter. Criteria: Invitae Variant Classification Sherloc (09022015). Collection method: clinical testing. Allele origin: germline.
Comment: This variant disrupts the p.Cys1748 amino acid residue in FBN1. Other variant(s) that disrupt this residue have been observed in individuals with FBN1-related conditions (PMID: 23897642, 32406602, 33082559), which suggests that this may be a clinically significant amino acid residue. For these reasons, this variant has been classified as Pathogenic. This variant affects a cysteine residue in the EGF-like, TGFBP or hybrid motif domains of FBN1. Cysteine residues are believed to be involved in intramolecular disulfide bridges and have been shown to be important for FBN1 protein structure (PMID: 16905551, 19349279). In addition, missense substitutions affecting cysteine residues within these domains are significantly overrepresented among patients with Marfan syndrome (PMID: 16571647, 17701892). Advanced modeling of protein sequence and biophysical properties (such as structural, functional, and spatial information, amino acid conservation, physicochemical variation, residue mobility, and thermodynamic stability) performed at Invitae indicates that this missense variant is expected to disrupt FBN1 protein function. This variant has not been reported in the literature in individuals affected with FBN1-related conditions. This variant is not present in population databases (gnomAD no frequency). This sequence change replaces cysteine, which is neutral and slightly polar, with tryptophan, which is neutral and slightly polar, at codon 1748 of the FBN1 protein (p.Cys1748Trp).

Literature cited by the submitters: PubMed 23897642; PubMed 32406602; PubMed 33082559; PubMed 16905551; PubMed 19349279; PubMed 16571647; PubMed 17701892.

NM_000138.5(FBN1):c.5244T>G (p.Cys1748Trp)

Gene: FBN1 (fibrillin 1; minus strand). Cytogenetic location: 15q21.1.
Variant type: single nucleotide variant.
Coding change: c.5244T>G on transcript NM_000138.5 (MANE Select); coding-DNA position 5244, T replaced by G.
Protein change: p.Cys1748Trp; replaces cysteine 1748 with tryptophan.
Molecular consequence: missense variant.
Genome position (GRCh38, 1-based): chr15:48,460,298, A>C on the plus strand (T>G on the coding strand, the complement: FBN1 is on the minus strand). VCF-style: chr15-48460298-A-C. GRCh37 (hg19) VCF-style: chr15-48752495-A-C.
Other names: c.5244T>G, p.Cys1748Trp (NM_001406716.1); short protein forms C1748W.
Identifiers: ClinVar variation 2123035 (VCV002123035.4), dbSNP rs2505485644, ClinGen allele CA392348063.